The following is an entry in ClinVar:

ClinVar aggregate classification (germline): Uncertain significance (0 of 4 stars; one submission).

Conditions:
KIAA0825-related disorder. Also called: KIAA0825-related condition.

Allele frequency attached by ClinVar (database versions not stated): gnomAD exomes 0.00001; gnomAD 0.00003; TOPMed 0.00003; ESP Exome Variant Server 0.00022.
gnomAD v4.1: 20 of 1,551,636 alleles (0.0013%); highest among the groups gnomAD compares: African/African-American, 0.0055%; no homozygotes.

Submission:

PreventionGenetics, part of Exact Sciences
Classification: Uncertain significance for KIAA0825-related condition. Last evaluated: 2023-12-31. Review status: no assertion criteria provided. Collection method: clinical testing. Allele origin: germline.
Comment: The KIAA0825 c.1286C>T variant is predicted to result in the amino acid substitution p.Ala429Val. To our knowledge, this variant has not been reported in the literature. This variant is reported in 0.012% of alleles in individuals of African descent in gnomAD. At this time, the clinical significance of this variant is uncertain due to the absence of conclusive functional and genetic evidence.

NM_001145678.3(KIAA0825):c.1286C>T (p.Ala429Val)

Gene: KIAA0825 (KIAA0825; minus strand). Cytogenetic location: 5q15.
Variant type: single nucleotide variant.
Coding change: c.1286C>T on transcript NM_001145678.3 (MANE Select); coding-DNA position 1286, C replaced by T.
Protein change: p.Ala429Val; replaces alanine 429 with valine.
Molecular consequence: missense variant. On other transcripts: non-coding transcript variant (1).
Genome position (GRCh38, 1-based): chr5:94,473,461, G>A on the plus strand (C>T on the coding strand, the complement: KIAA0825 is on the minus strand). VCF-style: chr5-94473461-G-A. GRCh37 (hg19) VCF-style: chr5-93809166-G-A.
Other names: c.1286C>T, p.Ala429Val (NM_001385712.1, NM_001385713.1, NM_001388325.1); short protein forms A429V.
Identifiers: ClinVar variation 3048643 (VCV003048643.2), dbSNP rs374186567, ClinGen allele CA123356251.